The following is an entry in ClinVar:

NM_017763.6(RNF43):c.2267C>G (p.Pro756Arg)

Gene: RNF43 (ring finger protein 43; minus strand). Cytogenetic location: 17q22.
Variant type: single nucleotide variant.
Coding change: c.2267C>G on transcript NM_017763.6 (MANE Select); coding-DNA position 2267, C replaced by G.
Protein change: p.Pro756Arg; replaces proline 756 with arginine.
Molecular consequence: missense variant.
Genome position (GRCh38, 1-based): chr17:58,357,509, G>C on the plus strand (C>G on the coding strand, the complement: RNF43 is on the minus strand). VCF-style: chr17-58357509-G-C. GRCh37 (hg19) VCF-style: chr17-56434870-G-C.
Other names: c.2267C>G (NM_017763.4); c.2267C>G, p.Pro756Arg (NM_001305544.3); c.1886C>G, p.Pro629Arg (NM_001305545.2); short protein forms P629R, P756R.
Identifiers: ClinVar variation 1011805 (VCV001011805.17), dbSNP rs757324156, ClinGen allele CA8673044.

ClinVar aggregate classification (germline): Uncertain significance. Review status: criteria provided, multiple submitters, no conflicts (2 of 4 stars). 5 submissions from 5 submitters: Uncertain significance (5). Last evaluated 2025-12-29.

Conditions:
Sessile serrated polyposis cancer syndrome (SSPCS). Identifiers: Orphanet 157798, MedGen C4310714, MONDO:0014919, OMIM 617108.

Allele frequency attached by ClinVar (database versions not stated): gnomAD exomes below 0.00001; ExAC 0.00001; TOPMed 0.00002.
gnomAD v4.1: 7 of 1,614,236 alleles (0.00043%); highest among the groups gnomAD compares: African/African-American, 0.0053%; no homozygotes.

Submissions (5):

Center for Genomic Medicine, Rigshospitalet, Copenhagen University Hospital
Classification: Uncertain significance. Last evaluated: 2025-12-29. Review status: criteria provided, single submitter. Criteria: ACMG Guidelines, 2015. Collection method: clinical testing. Allele origin: germline.

Ambry Genetics
Classification: Uncertain significance. Last evaluated: 2024-11-23. Review status: criteria provided, single submitter. Criteria: Ambry Variant Classification Scheme 2023. Collection method: clinical testing. Allele origin: germline.
Comment: The p.P756R variant (also known as c.2267C>G), located in coding exon 8 of the RNF43 gene, results from a C to G substitution at nucleotide position 2267. The proline at codon 756 is replaced by arginine, an amino acid with dissimilar properties. This amino acid position is conserved. In addition, this alteration is predicted to be tolerated by in silico analysis. Based on the available evidence, the clinical significance of this variant remains unclear.

Labcorp Genetics (formerly Invitae), Labcorp
Classification: Uncertain significance. Last evaluated: 2024-04-17. Review status: criteria provided, single submitter. Criteria: Invitae Variant Classification Sherloc (09022015). Collection method: clinical testing. Allele origin: germline.
Comment: This sequence change replaces proline, which is neutral and non-polar, with arginine, which is basic and polar, at codon 756 of the RNF43 protein (p.Pro756Arg). This variant is not present in population databases (gnomAD no frequency). This variant has not been reported in the literature in individuals affected with RNF43-related conditions. ClinVar contains an entry for this variant (Variation ID: 1011805). Algorithms developed to predict the effect of missense changes on protein structure and function output the following: SIFT: "Not Available"; PolyPhen-2: "Benign"; Align-GVGD: "Not Available". The arginine amino acid residue is found in multiple mammalian species, which suggests that this missense change does not adversely affect protein function. In summary, the available evidence is currently insufficient to determine the role of this variant in disease. Therefore, it has been classified as a Variant of Uncertain Significance.

GeneDx
Classification: Uncertain significance. Last evaluated: 2024-03-08. Review status: criteria provided, single submitter. Criteria: GeneDx Variant Classification Process June 2021. Collection method: clinical testing. Allele origin: germline. Affected: yes.
Comment: Not observed at significant frequency in large population cohorts (gnomAD); In silico analysis supports that this missense variant does not alter protein structure/function; Has not been previously published as pathogenic or benign to our knowledge; Variants in candidate genes are classified as variants of uncertain significance in accordance with ACMG guidelines (PMID: 25741868)

Baylor Genetics
Classification: Uncertain significance for Sessile serrated polyposis cancer syndrome. Last evaluated: 2023-11-18. Review status: criteria provided, single submitter. Criteria: ACMG Guidelines, 2015. Collection method: clinical testing. Allele origin: unknown.